The following is an entry in ClinVar:

NM_002430.3(MN1):c.2741A>G (p.Asp914Gly)

Gene: MN1 (MN1 proto-oncogene, transcriptional regulator; minus strand). Cytogenetic location: 22q12.1.
Variant type: single nucleotide variant.
Coding change: c.2741A>G on transcript NM_002430.3 (MANE Select); coding-DNA position 2741, A replaced by G.
Protein change: p.Asp914Gly; replaces aspartic acid 914 with glycine.
Molecular consequence: missense variant.
Genome position (GRCh38, 1-based): chr22:27,797,803, T>C on the plus strand (A>G on the coding strand, the complement: MN1 is on the minus strand). VCF-style: chr22-27797803-T-C. GRCh37 (hg19) VCF-style: chr22-28193791-T-C.
Other names: short protein forms D914G.
Identifiers: ClinVar variation 4282137 (VCV004282137.1).
Genomic context (GRCh38, chr22:27,797,803, plus strand): 5'-GGCTTGCCGTCATTCCCCGACGTGGATTCCAGGGTGTAGTTGGGGGAGAGGCTGGTGCCG[T>C]CCCCCTGGGCTGGAGGGTTGGGCGGCCCCGAGGCTTTGGAGCCGCTGCTACTGGTCCCGG-3'
Protein context (NP_002421.3, residues 904-924): SGPPNPPAQG[Asp914Gly]GTSLSPNYTL

ClinVar aggregate classification (germline): Uncertain significance (1 of 4 stars; one submission).

gnomAD v4.1: 2 of 1,591,660 alleles (0.00013%); highest among the groups gnomAD compares: African/African-American, 0.0013%; no homozygotes.

Submission:

GeneDx
Classification: Uncertain significance. Last evaluated: 2025-04-13. Review status: criteria provided, single submitter. Criteria: GeneDx Variant Classification Process June 2021. Collection method: clinical testing. Allele origin: germline. Affected: yes.
Comment: Not observed at significant frequency in large population cohorts (gnomAD); In silico analysis supports that this missense variant has a deleterious effect on protein structure/function; Has not been previously published as pathogenic or benign to our knowledge